The following is an entry in ClinVar:

ClinVar aggregate classification (germline): Uncertain significance. Review status: criteria provided, multiple submitters, no conflicts (2 of 4 stars). 3 submissions from 3 submitters: Uncertain significance (3). Last evaluated 2026-06-11.

Conditions:
Norman-Roberts syndrome (LIS2). Also called: Lissencephaly 2 (Norman-Roberts type). Identifiers: Orphanet 89844, MedGen C0796089, MONDO:0009760, OMIM 257320.
Familial temporal lobe epilepsy 7. Identifiers: Orphanet 101046, MedGen C4225327, MONDO:0014639, OMIM 616436.

Allele frequency attached by ClinVar (database versions not stated): gnomAD 0.00002; gnomAD exomes 0.00002 and 0.00008; TOPMed 0.00002; ExAC 0.00006.
gnomAD v4.1: 29 of 1,603,458 alleles (0.0018%); highest among the groups gnomAD compares: Admixed American, 0.045%; no homozygotes.

Submissions (3):

Women's Health and Genetics/Laboratory Corporation of America, LabCorp
Classification: Uncertain significance. Last evaluated: 2026-06-11. Review status: criteria provided, single submitter. Criteria: LabCorp Variant Classification Summary - May 2015. Collection method: clinical testing. Allele origin: germline.
Comment: Variant summary: RELN c.6072+3A>G alters a conserved nucleotide located close to a canonical splice site and therefore could affect mRNA splicing, leading to a significantly altered protein sequence. Several computational tools predict a significant impact on normal splicing: Three predict the variant abolishes the canonical 5' splicing donor site and one predicts the variant weakens the 5' donor site. However, these predictions have yet to be confirmed by functional studies. The variant allele was found at a frequency of 8.4e-05 in 251126 control chromosomes. This frequency is not significantly higher than estimated for disease-causing variants in RELN, allowing no conclusion about variant significance. To our knowledge, no occurrence of c.6072+3A>G in individuals affected with RELN-related conditions and no experimental evidence demonstrating its impact on protein function have been reported. ClinVar contains an entry for this variant (Variation ID: 841304). Based on the evidence outlined above, the variant was classified as uncertain significance.

Labcorp Genetics (formerly Invitae), Labcorp
Classification: Uncertain significance for Familial temporal lobe epilepsy 7; Norman-Roberts syndrome. Last evaluated: 2026-01-22. Review status: criteria provided, single submitter. Criteria: Invitae Variant Classification Sherloc (09022015). Collection method: clinical testing. Allele origin: germline.
Comment: This sequence change falls in intron 40 of the RELN gene. It does not directly change the encoded amino acid sequence of the RELN protein. It affects a nucleotide within the consensus splice site. This variant is present in population databases (rs762092040, gnomAD 0.06%). This variant has not been reported in the literature in individuals affected with RELN-related conditions. ClinVar contains an entry for this variant (Variation ID: 841304). Variants that disrupt the consensus splice site are a relatively common cause of aberrant splicing (PMID: 17576681, 9536098). Algorithms developed to predict the effect of sequence changes on RNA splicing suggest that this variant may disrupt the consensus splice site. In summary, the available evidence is currently insufficient to determine the role of this variant in disease. Therefore, it has been classified as a Variant of Uncertain Significance.

GeneDx
Classification: Uncertain significance. Last evaluated: 2025-06-24. Review status: criteria provided, single submitter. Criteria: GeneDx Variant Classification Process June 2021. Collection method: clinical testing. Allele origin: germline. Affected: yes.
Comment: Has not been previously published as pathogenic or benign to our knowledge; In silico analysis suggests that this variant does not alter splicing

Literature cited by the submitters: PubMed 17576681 (cited by Labcorp Genetics (formerly Invitae), Labcorp); PubMed 9536098 (cited by Labcorp Genetics (formerly Invitae), Labcorp).

NM_005045.4(RELN):c.6072+3A>G

Gene: RELN (reelin; minus strand). Cytogenetic location: 7q22.1.
Variant type: single nucleotide variant.
Coding change: c.6072+3A>G on transcript NM_005045.4 (MANE Select); 3 bases into the intron after coding-DNA position 6072, A replaced by G.
Molecular consequence: intron variant.
Genome position (GRCh38, 1-based): chr7:103,553,458, T>C on the plus strand (A>G on the coding strand, the complement: RELN is on the minus strand). VCF-style: chr7-103553458-T-C. GRCh37 (hg19) VCF-style: chr7-103193905-T-C.
Other names: c.6072+3A>G (NM_173054.3).
Identifiers: ClinVar variation 841304 (VCV000841304.11), dbSNP rs762092040, ClinGen allele CA4421045.